The following is an entry in ClinVar:

NM_080916.3(DGUOK):c.120G>A (p.Arg40=)

Genes: DGUOK (deoxyguanosine kinase; plus strand), LOC129934096 (ATAC-STARR-seq lymphoblastoid active region 16036; plus strand). Cytogenetic location: 2p13.1.
Variant type: single nucleotide variant.
Coding change: c.120G>A on transcript NM_080916.3 (MANE Select); coding-DNA position 120, G replaced by A.
Protein change: p.Arg40=; no amino-acid change (arginine 40 retained).
Molecular consequence: synonymous variant. On other transcripts: 5 prime UTR variant (4), non-coding transcript variant (6).
Genome position (GRCh38, 1-based): chr2:73,927,030, G>A. VCF-style: chr2-73927030-G-A. GRCh37 (hg19) VCF-style: chr2-74154157-G-A.
Other names: c.120G>A, p.Arg40= (NM_001318859.2, NM_080918.3); c.-59G>A (NM_001318860.2, NM_001318863.2); c.-145G>A (NM_001318861.2, NM_001318862.2).
Identifiers: ClinVar variation 3061717 (VCV003061717.2), dbSNP rs2466942349, ClinGen allele CA426794545.

ClinVar aggregate classification (germline): Likely benign (0 of 4 stars; one submission).

Conditions:
DGUOK-related disorder. Also called: DGUOK-related condition.

Submission:

PreventionGenetics, part of Exact Sciences
Classification: Likely benign for DGUOK-related condition. Last evaluated: 2022-02-11. Review status: no assertion criteria provided. Collection method: clinical testing. Allele origin: germline.
Comment: This variant is classified as likely benign based on ACMG/AMP sequence variant interpretation guidelines (Richards et al. 2015 PMID: 25741868, with internal and published modifications).